The following is an entry in ClinVar:

NM_003846.3(PEX11B):c.79CTT[1] (p.Leu28del)

Gene: PEX11B (peroxisomal biogenesis factor 11 beta; minus strand). Cytogenetic location: 1q21.1.
Variant type: Microsatellite.
Coding change: c.79CTT[1] on transcript NM_003846.3 (MANE Select); one copy of the 3-base unit CTT starting at c.79; the reference has two copies in a row; one copy, 3 bases deleted.
Protein change: p.Leu28del; deletes leucine 28.
Molecular consequence: inframe deletion. On other transcripts: non-coding transcript variant (3).
Genome position (GRCh38, 1-based): chr1:145,917,789-145,917,791, AAG deleted on the plus strand (CTT on the coding strand, the reverse complement: PEX11B is on the minus strand); deleting any 3 consecutive bases within chr1:145,917,789-145,917,795 gives the same sequence; the position shown is the placement nearest the transcript's 3' end. VCF-style (leftmost placement, unchanged base first): chr1-145917788-CAAG-C. GRCh37 (hg19) VCF-style: chr1-145517293-CTCT-C.
Other names: c.37CTT[1], p.Leu14del (NM_001184795.1); short protein forms L28del, L14del.
Identifiers: ClinVar variation 595440 (VCV000595440.8), dbSNP rs767294266, ClinGen allele CA1055499.

ClinVar aggregate classification (germline): Uncertain significance. Review status: criteria provided, multiple submitters, no conflicts (2 of 4 stars). 3 submissions from 3 submitters: Uncertain significance (3). Last evaluated 2024-04-01.

Conditions:
Peroxisome biogenesis disorder 14B (PEX14B). Identifiers: Orphanet 44, MedGen C3554055, MONDO:0013967, OMIM 614920.

Submissions (3):

ARUP Laboratories, Molecular Genetics and Genomics, ARUP Laboratories
Classification: Uncertain significance for Peroxisome biogenesis disorder 14B. Last evaluated: 2024-04-01. Review status: criteria provided, single submitter. Criteria: ARUP Molecular Germline Variant Investigation Process 2024. Collection method: clinical testing. Allele origin: germline.
Comment: The PEX11B c.82_84del; p.Leu28del variant (rs767294266), to our knowledge, is not reported in the medical literature but is reported in ClinVar (Variation ID: 595440). This variant is found in the general population with an overall allele frequency of 0.007% (15/282794 alleles) in the Genome Aggregation Database (v2.1.1). This variant deletes a single leucine residue leaving the rest of the protein in-frame. Due to limited information, the clinical significance of this variant is uncertain at this time.

Labcorp Genetics (formerly Invitae), Labcorp
Classification: Uncertain significance. Last evaluated: 2022-07-12. Review status: criteria provided, single submitter. Criteria: Invitae Variant Classification Sherloc (09022015). Collection method: clinical testing. Allele origin: germline.
Comment: This variant, c.82_84del, results in the deletion of 1 amino acid(s) of the PEX11B protein (p.Leu28del), but otherwise preserves the integrity of the reading frame. This variant is present in population databases (rs767294266, gnomAD 0.02%). This variant has not been reported in the literature in individuals affected with PEX11B-related conditions. Experimental studies and prediction algorithms are not available or were not evaluated, and the functional significance of this variant is currently unknown. In summary, the available evidence is currently insufficient to determine the role of this variant in disease. Therefore, it has been classified as a Variant of Uncertain Significance.

Eurofins Ntd Llc (ga)
Classification: Uncertain significance. Last evaluated: 2017-12-19. Review status: criteria provided, single submitter. Criteria: EGL Classification Definitions 2015. Collection method: clinical testing. Allele origin: germline.